The following is an entry in ClinVar:

ClinVar aggregate classification (germline): Uncertain significance. Review status: criteria provided, multiple submitters, no conflicts (2 of 4 stars). 4 submissions from 4 submitters: Uncertain significance (3). 1 of the submissions does not count toward it. Last evaluated 2020-12-15.

Conditions:
Pancreatic cancer, susceptibility to, 4. Identifiers: Orphanet 1333, MedGen C3280442, MONDO:0013685, OMIM 614320.
Breast-ovarian cancer, familial, susceptibility to, 1 (BROVCA1). Also called: BRCA1 Hereditary Breast and Ovarian Cancer; OVARIAN CANCER, SUSCEPTIBILITY TO. Identifiers: Orphanet 145, MedGen C2676676, MONDO:0011450, OMIM 604370. Disease mechanism: loss of function.
Fanconi anemia, complementation group S (FANCS). Identifiers: MedGen C4554406, MONDO:0054748, OMIM 617883.
Hereditary cancer-predisposing syndrome. Also called: Neoplastic Syndromes, Hereditary; Hereditary neoplastic syndrome; Hereditary Cancer Syndrome; Tumor predisposition. Identifiers: Orphanet 140162, MedGen C0027672, MeSH D009386, MONDO:0015356.
Hereditary breast ovarian cancer syndrome. Also called: Hereditary breast and ovarian cancer syndrome (HBOC); Breast and ovarian cancer; BRCA1- and BRCA2-Associated Hereditary Breast and Ovarian Cancer; Hereditary breast and ovarian cancer syndrome; Hereditary breast and ovarian cancer; Hereditary breast and/or ovarian cancer syndrome. Identifiers: Orphanet 145, MedGen C0677776, MeSH D061325, MONDO:0003582. Disease mechanism: loss of function.

gnomAD v4.1: 1 of 1,613,714 alleles (0.000062%); highest among the groups gnomAD compares: Admixed American, 0.0017%; no homozygotes.

Submissions (4):

Labcorp Genetics (formerly Invitae), Labcorp
Classification: Uncertain significance for Hereditary breast ovarian cancer syndrome. Last evaluated: 2020-12-15. Review status: criteria provided, single submitter. Criteria: Invitae Variant Classification Sherloc (09022015). Collection method: clinical testing. Allele origin: germline.
Comment: In summary, the available evidence is currently insufficient to determine the role of this variant in disease. Therefore, it has been classified as a Variant of Uncertain Significance. Advanced modeling of protein sequence and biophysical properties (such as structural, functional, and spatial information, amino acid conservation, physicochemical variation, residue mobility, and thermodynamic stability) performed at Invitae indicates that this missense variant is not expected to disrupt BRCA1 protein function. This variant has not been reported in the literature in individuals with BRCA1-related conditions. ClinVar contains an entry for this variant (Variation ID: 41824). This variant is not present in population databases (ExAC no frequency). This sequence change replaces leucine with phenylalanine at codon 1472 of the BRCA1 protein (p.Leu1472Phe). The leucine residue is moderately conserved and there is a small physicochemical difference between leucine and phenylalanine.

Ambry Genetics
Classification: Uncertain significance for Hereditary cancer-predisposing syndrome. Last evaluated: 2015-08-14. Review status: criteria provided, single submitter. Criteria: Ambry Variant Classification Scheme 2023. Collection method: clinical testing. Allele origin: germline.
Comment: The p.L1472F variant (also known as c.4414C>T and 4533C>T), located in coding exon 12 of the BRCA1 gene, results from a C to T substitution at nucleotide position 4414. The leucine at codon 1472 is replaced by phenylalanine, an amino acid with highly similar properties. This variant was previously reported in the SNPDatabase as rs200582930. This variant was not reported in population-based cohorts in the following databases: NHLBI Exome Sequencing Project (ESP) and 1000 Genomes Project. To date, this alteration has been detected with an allele frequency of approximately 0.001% (greater than 150000 alleles tested) in our clinical cohort. This amino acid position is well conserved in available vertebrate species. In addition, the in silico prediction for this alteration is inconclusive. Since supporting evidence is limited at this time, the clinical significance of p.L1472F remains unclear.

Juno Genomics, Hangzhou Juno Genomics, Inc
Classification: Uncertain significance for Breast-ovarian cancer, familial, susceptibility to, 1; Pancreatic cancer, susceptibility to, 4; Fanconi anemia, complementation group S. Review status: criteria provided, single submitter. Criteria: ACMG Guidelines, 2015. Collection method: clinical testing. Allele origin: germline.
Comment: Absent from controls (or at extremely low frequency if recessive) in Genome Aggregation Database.;Multiple lines of computational evidence suggest no impact on gene or gene product.

Biesecker Lab/Clinical Genomics Section, National Institutes of Health
Classification: Uncertain significance. Last evaluated: 2012-07-13. Review status: no assertion criteria provided. Collection method: research. Allele origin: germline. Affected: no. Observed: 1 variant allele. Study: ClinSeq. Not counted in ClinVar's aggregate classification.
ClinVar note: Converted during submission from variant of unknown significance to Uncertain significance.

NM_007294.4(BRCA1):c.4414C>T (p.Leu1472Phe)

Gene: BRCA1 (BRCA1 DNA repair associated; minus strand). Cytogenetic location: 17q21.31.
Variant type: single nucleotide variant.
Coding change: c.4414C>T on transcript NM_007294.4 (MANE Select); coding-DNA position 4414, C replaced by T.
Protein change: p.Leu1472Phe; replaces leucine 1472 with phenylalanine.
Molecular consequence: missense variant. On other transcripts: non-coding transcript variant (1).
Genome position (GRCh38, 1-based): chr17:43,076,558, G>A on the plus strand (C>T on the coding strand, the complement: BRCA1 is on the minus strand). VCF-style: chr17-43076558-G-A. GRCh37 (hg19) VCF-style: chr17-41228575-G-A.
Other names: c.4201C>T, p.Leu1401Phe (NM_001407571.1, NM_001407894.1, NM_001407895.1 and 12 more transcripts); c.4480C>T, p.Leu1494Phe (NM_001407581.1, NM_001407582.1); c.4477C>T, p.Leu1493Phe (NM_001407583.1, NM_001407585.1, NM_001407587.1 and 1 more transcripts); c.4474C>T, p.Leu1492Phe (NM_001407590.1, NM_001407591.1); c.4414C>T, p.Leu1472Phe (NM_001407593.1, NM_001407594.1, NM_001407596.1 and 8 more transcripts); c.4411C>T, p.Leu1471Phe (NM_001407610.1, NM_001407621.1, NM_001407622.1 and 17 more transcripts); c.4408C>T, p.Leu1470Phe (NM_001407627.1, NM_001407628.1, NM_001407629.1 and 14 more transcripts); c.4405C>T, p.Leu1469Phe (NM_001407644.1, NM_001407645.1); and 68 more; short protein forms L1472F, L1425F, L368F, L1493F, L1345F, L1400F, L1405F, L1430F.
Identifiers: ClinVar variation 41824 (VCV000041824.17), dbSNP rs200582930, ClinGen allele CA002840.